The following is an entry in ClinVar:

ClinVar aggregate classification (germline): Likely benign (1 of 4 stars; one submission).

Conditions:
Retinitis pigmentosa (RP). Identifiers: Orphanet 791, MedGen C0035334, MeSH D012174, MONDO:0019200, OMIM 268000. Inheritance: Autosomal dominant, autosomal recessive and X linked inheritance.

Allele frequency attached by ClinVar (database versions not stated): gnomAD exomes 0.00033 and 0.00013; ExAC 0.00053; gnomAD 0.00110 and 0.00114; TOPMed 0.00114; 1000 Genomes Project 30x 0.00281; 1000 Genomes Project 0.00300.
gnomAD v4.1: 291 of 1,062,092 alleles (0.027%); highest among the groups gnomAD compares: African/African-American, 0.41%; 2 homozygotes.

Submissions (2):

Illumina Laboratory Services, Illumina
Classification: Likely benign for Retinitis pigmentosa. Last evaluated: 2018-01-12. Review status: criteria provided, single submitter. Criteria: ICSL Variant Classification Criteria 13 December 2019. Collection method: clinical testing. Allele origin: germline.
Comment: This variant was observed in the ICSL laboratory as part of a predisposition screen in an ostensibly healthy population. It had not been previously curated by ICSL or reported in the Human Gene Mutation Database (HGMD: prior to June 1st, 2018), and was therefore a candidate for classification through an automated scoring system. Utilizing variant allele frequency, disease prevalence and penetrance estimates, and inheritance mode, an automated score was calculated to assess if this variant is too frequent to cause the disease. Based on the score and internal cut-off values, a variant classified as likely benign is not then subjected to further curation. The score for this variant resulted in a classification of likely benign for this disease.

Dr. Peter K. Rogan Lab, Western University
No classification provided (evidence only). Condition: Familial cancer of breast. Review status: no classification provided. Collection method: in vitro. Allele origin: not applicable. Functional consequence: retained intron. Not counted in ClinVar's aggregate classification.

NM_006445.4(PRPF8):c.*125G>A

Gene: PRPF8 (pre-mRNA processing factor 8; minus strand). Cytogenetic location: 17p13.3.
Variant type: single nucleotide variant.
Coding change: c.*125G>A on transcript NM_006445.4 (MANE Select); 125 bases downstream of the stop codon, G replaced by A.
Molecular consequence: 3 prime UTR variant.
Genome position (GRCh38, 1-based): chr17:1,650,677, C>T on the plus strand (G>A on the coding strand, the complement: PRPF8 is on the minus strand). VCF-style: chr17-1650677-C-T. GRCh37 (hg19) VCF-style: chr17-1553971-C-T.
Other names: NC_000017.10:g.1553971C>T.
Identifiers: ClinVar variation 892394 (VCV000892394.5), dbSNP rs151045703, ClinGen allele CA8270989.
Genomic context (GRCh38, chr17:1,650,677, plus strand): 5'-CAGCCCCTGAACTCCTATTTATACAAAATTTATTATTATATTTTATTCAGGATGACAAGC[C>T]ATCAGGAGGTCAACAACACAAGCACAGACAGAGGGAAAGAGGCCAAACTGCTGAATGTCA-3'